The following is an entry in ClinVar:

NM_002291.3(LAMB1):c.5325A>T (p.Ile1775=)

Gene: LAMB1 (laminin subunit beta 1; minus strand). Cytogenetic location: 7q31.1.
Variant type: single nucleotide variant.
Coding change: c.5325A>T on transcript NM_002291.3 (MANE Select); coding-DNA position 5325, A replaced by T.
Protein change: p.Ile1775=; no amino-acid change (isoleucine 1775 retained).
Molecular consequence: synonymous variant.
Genome position (GRCh38, 1-based): chr7:107,923,987, T>A on the plus strand (A>T on the coding strand, the complement: LAMB1 is on the minus strand). VCF-style: chr7-107923987-T-A. GRCh37 (hg19) VCF-style: chr7-107564432-T-A.
Identifiers: ClinVar variation 509742 (VCV000509742.1), dbSNP rs369528849, ClinGen allele CA4434768.

ClinVar aggregate classification (germline): Likely benign (1 of 4 stars; one submission).

Allele frequency attached by ClinVar (database versions not stated): TOPMed 0.00002; gnomAD 0.00004; gnomAD exomes 0.00006 and 0.00008; ESP Exome Variant Server 0.00008; ExAC 0.00011.
gnomAD v4.1: 115 of 1,609,458 alleles (0.0071%); highest among the groups gnomAD compares: Non-Finnish European, 0.0095%; no homozygotes.

Submission:

GeneDx
Classification: Likely benign. Last evaluated: 2017-05-24. Review status: criteria provided, single submitter. Criteria: GeneDx Variant Classification (06012015). Collection method: clinical testing. Allele origin: germline. Affected: yes.
Comment: This variant is considered likely benign or benign based on one or more of the following criteria: it is a conservative change, it occurs at a poorly conserved position in the protein, it is predicted to be benign by multiple in silico algorithms, and/or has population frequency not consistent with disease.